The following is an entry in ClinVar:

NM_015214.3(DDHD2):c.471C>A (p.Asn157Lys)

Gene: DDHD2 (DDHD domain containing 2; plus strand). Cytogenetic location: 8p11.23.
Variant type: single nucleotide variant.
Coding change: c.471C>A on transcript NM_015214.3 (MANE Select); coding-DNA position 471, C replaced by A.
Protein change: p.Asn157Lys; replaces asparagine 157 with lysine.
Molecular consequence: missense variant. On other transcripts: non-coding transcript variant (2).
Genome position (GRCh38, 1-based): chr8:38,237,597, C>A. VCF-style: chr8-38237597-C-A. GRCh37 (hg19) VCF-style: chr8-38095115-C-A.
Other names: c.471C>A, p.Asn157Lys (NM_001164232.2, NM_001164234.2, NM_001362911.2 and 3 more transcripts); short protein forms N157K.
Identifiers: ClinVar variation 1414674 (VCV001414674.8), dbSNP rs777858708, ClinGen allele CA4715981.

ClinVar aggregate classification (germline): Uncertain significance (1 of 4 stars; one submission).

Conditions:
Hereditary spastic paraplegia 54. Also called: Spastic paraplegia 54, autosomal recessive. Identifiers: Orphanet 320380, MedGen C3539495, MONDO:0014018, OMIM 615033.

Allele frequency attached by ClinVar (database versions not stated): gnomAD exomes below 0.00001; TOPMed below 0.00001; ExAC 0.00001; gnomAD 0.00001.
gnomAD v4.1: 17 of 1,588,834 alleles (0.0011%); highest among the groups gnomAD compares: African/African-American, 0.0014%; no homozygotes.

Submission:

Labcorp Genetics (formerly Invitae), Labcorp
Classification: Uncertain significance for Hereditary spastic paraplegia 54. Last evaluated: 2023-07-10. Review status: criteria provided, single submitter. Criteria: Invitae Variant Classification Sherloc (09022015). Collection method: clinical testing. Allele origin: germline.
Comment: In summary, the available evidence is currently insufficient to determine the role of this variant in disease. Therefore, it has been classified as a Variant of Uncertain Significance. Advanced modeling of protein sequence and biophysical properties (such as structural, functional, and spatial information, amino acid conservation, physicochemical variation, residue mobility, and thermodynamic stability) performed at Invitae indicates that this missense variant is not expected to disrupt DDHD2 protein function. ClinVar contains an entry for this variant (Variation ID: 1414674). This variant has not been reported in the literature in individuals affected with DDHD2-related conditions. The frequency data for this variant in the population databases is considered unreliable, as metrics indicate poor data quality at this position in the gnomAD database. This sequence change replaces asparagine, which is neutral and polar, with lysine, which is basic and polar, at codon 157 of the DDHD2 protein (p.Asn157Lys).